The following is an entry in ClinVar:

ClinVar aggregate classification (germline): Uncertain significance (1 of 4 stars; one submission).

Submission:

Ambry Genetics
Classification: Uncertain significance. Last evaluated: 2024-06-08. Review status: criteria provided, single submitter. Criteria: Ambry Variant Classification Scheme 2023. Collection method: clinical testing. Allele origin: germline.
Comment: The p.R93I variant (also known as c.278G>T), located in coding exon 3 of the RECQL gene, results from a G to T substitution at nucleotide position 278. The arginine at codon 93 is replaced by isoleucine, an amino acid with similar properties. This amino acid position is conserved. In addition, this alteration is predicted to be deleterious by in silico analysis. Based on the available evidence, the clinical significance of this variant remains unclear.

NM_002907.4(RECQL):c.278G>T (p.Arg93Ile)

Gene: RECQL (RecQ like helicase; minus strand). Cytogenetic location: 12p12.1.
Variant type: single nucleotide variant.
Coding change: c.278G>T on transcript NM_002907.4 (MANE Select); coding-DNA position 278, G replaced by T.
Protein change: p.Arg93Ile; replaces arginine 93 with isoleucine.
Molecular consequence: missense variant.
Genome position (GRCh38, 1-based): chr12:21,490,315, C>A on the plus strand (G>T on the coding strand, the complement: RECQL is on the minus strand). VCF-style: chr12-21490315-C-A. GRCh37 (hg19) VCF-style: chr12-21643249-C-A.
Other names: c.278G>T, p.Arg93Ile (NM_032941.3); short protein forms R93I.
Identifiers: ClinVar variation 3313490 (VCV003313490.1).